The following is an entry in ClinVar:

NM_001382567.1(STIM1):c.2079C>A (p.Gly693=)

Genes: STIM1 (stromal interaction molecule 1; plus strand), LOC124418421 (Sharpr-MPRA regulatory region 9588; plus strand). Cytogenetic location: 11p15.4.
Variant type: single nucleotide variant.
Coding change: c.2079C>A on transcript NM_001382567.1 (MANE Select); coding-DNA position 2079, C replaced by A.
Protein change: p.Gly693=; no amino-acid change (glycine 693 retained).
Molecular consequence: synonymous variant. On other transcripts: 3 prime UTR variant (4), non-coding transcript variant (3).
Genome position (GRCh38, 1-based): chr11:4,091,726, C>A. VCF-style: chr11-4091726-C-A. GRCh37 (hg19) VCF-style: chr11-4112956-C-A.
Other names: p.Gly662=; c.2304C>A, p.Gly768= (NM_001277961.3); c.*400C>A (NM_001277962.2, NM_001382578.1, NM_001382579.1 and 1 more transcripts); c.2082C>A, p.Gly694= (NM_001382566.1); c.2007C>A, p.Gly669= (NM_001382568.1); c.1851C>A, p.Gly617= (NM_001382569.1); c.1758C>A, p.Gly586= (NM_001382570.1); c.1506C>A, p.Gly502= (NM_001382571.1); and 3 more.
Identifiers: ClinVar variation 461728 (VCV000461728.44), dbSNP rs147912041, ClinGen allele CA5830661.
Genomic context (GRCh38, chr11:4,091,726, plus strand): 5'-ACGCATTCCCCACCTGGCTGGCAAGAAGGCTGTGGCTGAGGAGGATAATGGCTCTATTGG[C>A]GAGGAAACAGACTCCAGCCCAGGCCGGAAGAAGTTTCCCCTCAAAATCTTTAAGAAGCCT-3'
Protein context (NP_001369496.1, residues 683-703): AVAEEDNGSI[Gly693=]EETDSSPGRK

ClinVar aggregate classification (germline): Likely benign. Review status: criteria provided, multiple submitters, no conflicts (2 of 4 stars). 7 submissions from 7 submitters: Likely benign (4). 3 of the submissions do not count toward it. Last evaluated 2026-05-01.

Conditions:
STIM1-related disorder. Also called: STIM1-related condition.
Stormorken syndrome (STRMK). Also called: THROMBOCYTOPATHY, ASPLENIA, AND MIOSIS. Identifiers: Orphanet 3204, MedGen C1861451, MONDO:0008497, OMIM 185070.
Myopathy with tubular aggregates (TAM). Also called: Tubular Aggregate Myopathy. Identifiers: Orphanet 2593, MedGen C0410207, MONDO:0008051.
Combined immunodeficiency due to STIM1 deficiency. Also called: STIM1 DEFICIENCY; IMMUNODEFICIENCY 10. Identifiers: Orphanet 169090, Orphanet 317430, MedGen C2748557, MONDO:0013008, OMIM 612783.

Allele frequency attached by ClinVar (database versions not stated): TOPMed 0.00070; ESP Exome Variant Server 0.00108; 1000 Genomes Project 0.00060; 1000 Genomes Project 30x 0.00062; gnomAD 0.00070.
gnomAD v4.1: 1,747 of 1,613,844 alleles (0.11%); highest among the groups gnomAD compares: Non-Finnish European, 0.14%; 2 homozygotes.

Submissions (7):

CeGaT Center for Human Genetics Tuebingen
Classification: Likely benign. Last evaluated: 2026-05-01. Review status: criteria provided, single submitter. Criteria: CeGaT Center For Human Genetics Tuebingen Variant Classification Criteria Version 2. Collection method: clinical testing. Allele origin: germline. Affected: yes. Observed: 4 variant alleles.
Comment: STIM1: BP4, BP7

Labcorp Genetics (formerly Invitae), Labcorp
Classification: Likely benign for Myopathy with tubular aggregates; Combined immunodeficiency due to STIM1 deficiency; Stormorken syndrome. Last evaluated: 2026-02-02. Review status: criteria provided, single submitter. Criteria: Invitae Variant Classification Sherloc (09022015). Collection method: clinical testing. Allele origin: germline.

Mayo Clinic Laboratories, Mayo Clinic
Classification: Likely benign. Last evaluated: 2025-11-10. Review status: criteria provided, single submitter. Criteria: ACMG Guidelines, 2015. Collection method: clinical testing. Allele origin: germline. Observed: 5 variant alleles.
Comment: BS1, BP4, BP7

Blueprint Genetics
Classification: Likely benign. Last evaluated: 2024-11-22. Review status: criteria provided, single submitter. Criteria: ACMG Guidelines, 2015. Collection method: clinical testing. Allele origin: germline.

PreventionGenetics, part of Exact Sciences
Classification: Likely benign for STIM1-related condition. Last evaluated: 2019-09-18. Review status: no assertion criteria provided. Collection method: clinical testing. Allele origin: germline. Not counted in ClinVar's aggregate classification.
Comment: This variant is classified as likely benign based on ACMG/AMP sequence variant interpretation guidelines (Richards et al. 2015 PMID: 25741868, with internal and published modifications).

Clinical Genetics DNA and cytogenetics Diagnostics Lab, Erasmus MC, Erasmus Medical Center
Classification: Likely benign. Review status: no assertion criteria provided. Collection method: clinical testing. Allele origin: germline. Affected: yes. Study: VKGL Data-share Consensus. Not counted in ClinVar's aggregate classification.

Genome Diagnostics Laboratory, University Medical Center Utrecht
Classification: Likely benign. Review status: no assertion criteria provided. Collection method: clinical testing. Allele origin: germline. Affected: yes. Study: VKGL Data-share Consensus. Not counted in ClinVar's aggregate classification.